The following is an entry in ClinVar:

NM_001005242.3(PKP2):c.2014-1_2014del

Gene: PKP2 (plakophilin 2; minus strand). Cytogenetic location: 12p11.21.
Variant type: Deletion.
Coding change: c.2014-1_2014del on transcript NM_001005242.3 (MANE Select); the canonical splice acceptor site of the intron before coding-DNA position 2014 through coding-DNA position 2014, 2 bases deleted (GA; older notation c.2014-1_2014delGA).
Molecular consequence: splice acceptor variant.
Genome position (GRCh38, 1-based): chr12:32,802,556-32,802,557, TC deleted on the plus strand (GA on the coding strand, the reverse complement: PKP2 is on the minus strand); deleting any 2 consecutive bases within chr12:32,802,556-32,802,558 gives the same sequence; the c. name uses the placement nearest the transcript's 3' end. VCF-style (leftmost placement, unchanged base first): chr12-32802555-ATC-A. GRCh37 (hg19) VCF-style: chr12-32955489-ATC-A.
Other names: c.1849-1_1849del (NM_001407156.1); c.2014-1_2014del (NM_001407155.1); c.2146-1_2146del (NM_004572.4); c.1687-1_1687del (NM_001407160.1, NM_001407159.1, NM_001407158.1).
Identifiers: ClinVar variation 2735819 (VCV002735819.3), dbSNP rs2541200961, ClinGen allele CA2695216182.

ClinVar aggregate classification (germline): Pathogenic (1 of 4 stars; one submission).

Conditions:
Arrhythmogenic right ventricular dysplasia 9 (ARVD9). Also called: Arrhythmogenic Right Ventricular Dysplasia/Cardiomyopathy 9; ARRHYTHMOGENIC RIGHT VENTRICULAR DYSPLASIA, FAMILIAL, 9. Identifiers: MedGen C1836906, MONDO:0012180, OMIM 609040.

Submission:

Labcorp Genetics (formerly Invitae), Labcorp
Classification: Pathogenic for Arrhythmogenic right ventricular dysplasia 9. Last evaluated: 2024-05-29. Review status: criteria provided, single submitter. Criteria: Invitae Variant Classification Sherloc (09022015). Collection method: clinical testing. Allele origin: germline.
Comment: This variant results in the deletion of part of exon 11 (c.2146-1_2146del) of the PKP2 gene. RNA analysis indicates that this variant induces altered splicing and may result in an absent or disrupted protein product. This variant is not present in population databases (gnomAD no frequency). This variant has been observed in individual(s) with arrhythmogenic cardiomyopathy (PMID: 19302745). Studies have shown that this variant alters PKP2 gene expression (PMID: 25667661). Studies have shown that this variant results in skipping of exon 12 and introduces a premature termination codon (PMID: 25667661). The resulting mRNA is expected to undergo nonsense-mediated decay. For these reasons, this variant has been classified as Pathogenic.

Literature cited by the submitters: PubMed 19302745; PubMed 25667661.